The following is an entry in ClinVar:

ClinVar aggregate classification (germline): Benign/Likely benign. Review status: criteria provided, multiple submitters, no conflicts (2 of 4 stars). 4 submissions from 4 submitters: Benign (1); Likely benign (3). Last evaluated 2026-01-19.

Conditions:
Desmosterolosis. Identifiers: Orphanet 35107, MedGen C1865596, MONDO:0011217, OMIM 602398.

Allele frequency attached by ClinVar (database versions not stated): ESP Exome Variant Server 0.00015; TOPMed 0.00043; gnomAD 0.00044 and 0.00062; gnomAD exomes 0.00071 and 0.00075; ExAC 0.00084; 1000 Genomes Project 30x 0.00109; 1000 Genomes Project 0.00140.

Submissions (4):

Labcorp Genetics (formerly Invitae), Labcorp
Classification: Benign. Last evaluated: 2026-01-19. Review status: criteria provided, single submitter. Criteria: Invitae Variant Classification Sherloc (09022015). Collection method: clinical testing. Allele origin: germline.

Blueprint Genetics
Classification: Likely benign. Last evaluated: 2024-11-13. Review status: criteria provided, single submitter. Criteria: ACMG Guidelines, 2015. Collection method: clinical testing. Allele origin: germline.

CeGaT Center for Human Genetics Tuebingen
Classification: Likely benign. Last evaluated: 2022-12-01. Review status: criteria provided, single submitter. Criteria: CeGaT Center For Human Genetics Tuebingen Variant Classification Criteria Version 2. Collection method: clinical testing. Allele origin: germline. Affected: yes. Observed: 1 variant allele.
Comment: DHCR24: BP4, BP7

Illumina Laboratory Services, Illumina
Classification: Likely benign for Desmosterolosis. Last evaluated: 2018-01-13. Review status: criteria provided, single submitter. Criteria: ICSL Variant Classification Criteria 13 December 2019. Collection method: clinical testing. Allele origin: germline.
Comment: This variant was observed in the ICSL laboratory as part of a predisposition screen in an ostensibly healthy population. It had not been previously curated by ICSL or reported in the Human Gene Mutation Database (HGMD: prior to June 1st, 2018), and was therefore a candidate for classification through an automated scoring system. Utilizing variant allele frequency, disease prevalence and penetrance estimates, and inheritance mode, an automated score was calculated to assess if this variant is too frequent to cause the disease. Based on the score and internal cut-off values, a variant classified as likely benign is not then subjected to further curation. The score for this variant resulted in a classification of likely benign for this disease.

NM_014762.4(DHCR24):c.639C>T (p.Ala213=)

Gene: DHCR24 (24-dehydrocholesterol reductase; minus strand). Cytogenetic location: 1p32.3.
Variant type: single nucleotide variant.
Coding change: c.639C>T on transcript NM_014762.4 (MANE Select); coding-DNA position 639, C replaced by T.
Protein change: p.Ala213=; no amino-acid change (alanine 213 retained).
Molecular consequence: synonymous variant.
Genome position (GRCh38, 1-based): chr1:54,871,587, G>A on the plus strand (C>T on the coding strand, the complement: DHCR24 is on the minus strand). VCF-style: chr1-54871587-G-A. GRCh37 (hg19) VCF-style: chr1-55337260-G-A.
Identifiers: ClinVar variation 297660 (VCV000297660.39), dbSNP rs143779194, ClinGen allele CA870758.